The following is an entry in ClinVar:

ClinVar aggregate classification (germline): Uncertain significance (1 of 4 stars; one submission).

Conditions:
Hereditary pancreatitis (PCTT). Also called: Hereditary chronic pancreatitis; PRSS1-Related Hereditary Pancreatitis. Identifiers: Orphanet 676, MedGen C0238339, MONDO:0008185, OMIM 167800.

Submission:

Ambry Genetics
Classification: Uncertain significance for Hereditary pancreatitis. Last evaluated: 2025-05-31. Review status: criteria provided, single submitter. Criteria: Ambry Variant Classification Scheme 2023. Collection method: clinical testing. Allele origin: germline.
Comment: The p.A111V variant (also known as c.332C>T), located in coding exon 3 of the CPA1 gene, results from a C to T substitution at nucleotide position 332. The alanine at codon 111 is replaced by valine, an amino acid with similar properties. This amino acid position is conserved. In addition, this alteration is predicted to be tolerated by in silico analysis. Since supporting evidence is limited at this time, the clinical significance of this alteration remains unclear.

NM_001868.4(CPA1):c.332C>T (p.Ala111Val)

Gene: CPA1 (carboxypeptidase A1; plus strand). Cytogenetic location: 7q32.2.
Variant type: single nucleotide variant.
Coding change: c.332C>T on transcript NM_001868.4 (MANE Select); coding-DNA position 332, C replaced by T.
Protein change: p.Ala111Val; replaces alanine 111 with valine.
Molecular consequence: missense variant.
Genome position (GRCh38, 1-based): chr7:130,381,814, C>T. VCF-style: chr7-130381814-C-T. GRCh37 (hg19) VCF-style: chr7-130021655-C-T.
Other names: short protein forms A111V.
Identifiers: ClinVar variation 1730287 (VCV001730287.3), dbSNP rs782647848, ClinGen allele CA369280398.